The following is an entry in ClinVar:

ClinVar aggregate classification (germline): Uncertain significance. Review status: criteria provided, multiple submitters, no conflicts (2 of 4 stars). 2 submissions from 2 submitters: Uncertain significance (2). Last evaluated 2025-10-30.

Conditions:
Hereditary cancer-predisposing syndrome. Also called: Neoplastic Syndromes, Hereditary; Hereditary Cancer Syndrome; Hereditary neoplastic syndrome; Tumor predisposition. Identifiers: Orphanet 140162, MedGen C0027672, MeSH D009386, MONDO:0015356.

Submissions (2):

Ambry Genetics
Classification: Uncertain significance for Hereditary cancer-predisposing syndrome. Last evaluated: 2025-10-30. Review status: criteria provided, single submitter. Criteria: Ambry Variant Classification Scheme 2023. Collection method: clinical testing. Allele origin: germline.
Comment: The p.S116C variant (also known as c.347C>G), located in coding exon 2 of the MSH3 gene, results from a C to G substitution at nucleotide position 347. The serine at codon 116 is replaced by cysteine, an amino acid with dissimilar properties. This amino acid position is not well conserved in available vertebrate species. In addition, this alteration is predicted to be tolerated by in silico analysis. Based on the available evidence, the clinical significance of this variant remains unclear.

Labcorp Genetics (formerly Invitae), Labcorp
Classification: Uncertain significance. Last evaluated: 2024-04-10. Review status: criteria provided, single submitter. Criteria: Invitae Variant Classification Sherloc (09022015). Collection method: clinical testing. Allele origin: germline.
Comment: This sequence change replaces serine, which is neutral and polar, with cysteine, which is neutral and slightly polar, at codon 116 of the MSH3 protein (p.Ser116Cys). This variant is not present in population databases (gnomAD no frequency). This variant has not been reported in the literature in individuals affected with MSH3-related conditions. ClinVar contains an entry for this variant (Variation ID: 1437094). An algorithm developed to predict the effect of missense changes on protein structure and function (PolyPhen-2) suggests that this variant is likely to be disruptive. In summary, the available evidence is currently insufficient to determine the role of this variant in disease. Therefore, it has been classified as a Variant of Uncertain Significance.

NM_002439.5(MSH3):c.347C>G (p.Ser116Cys)

Gene: MSH3 (mutS homolog 3; plus strand). Cytogenetic location: 5q14.1.
Variant type: single nucleotide variant.
Coding change: c.347C>G on transcript NM_002439.5 (MANE Select); coding-DNA position 347, C replaced by G.
Protein change: p.Ser116Cys; replaces serine 116 with cysteine.
Molecular consequence: missense variant.
Genome position (GRCh38, 1-based): chr5:80,656,520, C>G. VCF-style: chr5-80656520-C-G. GRCh37 (hg19) VCF-style: chr5-79952339-C-G.
Other names: short protein forms S116C.
Identifiers: ClinVar variation 1437094 (VCV001437094.11), dbSNP rs1362313141, ClinGen allele CA360266575.